The following is an entry in ClinVar:

ClinVar aggregate classification (germline): Benign/Likely benign. Review status: criteria provided, multiple submitters, no conflicts (2 of 4 stars). 7 submissions from 7 submitters: Benign (1); Likely benign (6). Last evaluated 2026-01-08.

Conditions:
MSH6-related disorder. Also called: MSH6-Related disorders; MSH6-related condition.
Hereditary nonpolyposis colorectal neoplasms. Identifiers: MedGen C0009405, MeSH D003123.
Hereditary cancer-predisposing syndrome. Also called: Tumor predisposition; Hereditary neoplastic syndrome; Neoplastic Syndromes, Hereditary; Hereditary Cancer Syndrome. Identifiers: Orphanet 140162, MedGen C0027672, MeSH D009386, MONDO:0015356.
Lynch syndrome 5 (LYNCH5). Also called: Colorectal cancer, hereditary nonpolyposis, type 5; Hereditary non-polyposis colorectal cancer, type 5. Identifiers: Orphanet 144, MedGen C1833477, MONDO:0013710, OMIM 614350. Disease mechanism: loss of function.

Allele frequency attached by ClinVar (database versions not stated): gnomAD exomes below 0.00001; TOPMed 0.00001.
gnomAD v4.1: 1 of 1,611,852 alleles (0.000062%); highest among the groups gnomAD compares: South Asian, 0.0011%; no homozygotes.

Submissions (7):

Labcorp Genetics (formerly Invitae), Labcorp
Classification: Likely benign for Hereditary nonpolyposis colorectal neoplasms. Last evaluated: 2026-01-08. Review status: criteria provided, single submitter. Criteria: Invitae Variant Classification Sherloc (09022015). Collection method: clinical testing. Allele origin: germline.

PreventionGenetics, part of Exact Sciences
Classification: Likely benign for MSH6-related condition. Last evaluated: 2025-06-16. Review status: criteria provided, single submitter. Criteria: ACMG Guidelines, 2015. Collection method: clinical testing. Allele origin: germline.
Comment: This variant is classified as likely benign based on ACMG/AMP sequence variant interpretation guidelines (Richards et al. 2015 PMID: 25741868, with internal and published modifications).

Myriad Genetics, Inc.
Classification: Benign for Lynch syndrome 5. Last evaluated: 2024-12-17. Review status: criteria provided, single submitter. Criteria: Myriad Autosomal Dominant, Autosomal Recessive and X-Linked Classification Criteria (2023). Collection method: clinical testing. Allele origin: unknown.
Comment: This variant is considered benign. This variant is a silent/synonymous amino acid change and it is not expected to impact splicing.

Blueprint Genetics
Classification: Likely benign. Last evaluated: 2024-09-26. Review status: criteria provided, single submitter. Criteria: ACMG Guidelines, 2015. Collection method: clinical testing. Allele origin: germline.

Women's Health and Genetics/Laboratory Corporation of America, LabCorp
Classification: Likely benign. Last evaluated: 2019-10-23. Review status: criteria provided, single submitter. Criteria: LabCorp Variant Classification Summary - May 2015. Collection method: clinical testing. Allele origin: germline.

Ambry Genetics
Classification: Likely benign for Hereditary cancer-predisposing syndrome. Last evaluated: 2017-09-11. Review status: criteria provided, single submitter. Criteria: Ambry Variant Classification Scheme 2023. Collection method: clinical testing. Allele origin: germline.

Color Diagnostics, LLC DBA Color Health
Classification: Likely benign for Hereditary cancer-predisposing syndrome. Last evaluated: 2017-02-01. Review status: criteria provided, single submitter. Criteria: ACMG Guidelines, 2015. Collection method: clinical testing. Allele origin: germline.

NM_000179.3(MSH6):c.78G>A (p.Arg26=)

Gene: MSH6 (mutS homolog 6; plus strand). Cytogenetic location: 2p16.3.
Variant type: single nucleotide variant.
Coding change: c.78G>A on transcript NM_000179.3 (MANE Select); coding-DNA position 78, G replaced by A.
Protein change: p.Arg26=; no amino-acid change (arginine 26 retained).
Molecular consequence: synonymous variant. On other transcripts: 5 prime UTR variant (1).
Genome position (GRCh38, 1-based): chr2:47,783,311, G>A. VCF-style: chr2-47783311-G-A. GRCh37 (hg19) VCF-style: chr2-48010450-G-A.
Other names: c.78G>A, p.Arg26= (NM_001281492.2); c.-659G>A (NM_001281493.2).
Identifiers: ClinVar variation 455346 (VCV000455346.19), dbSNP rs1395190094, ClinGen allele CA426120533.
Genomic context (GRCh38, chr2:47,783,311, plus strand): 5'-CCTGTACAGCTTCTTCCCCAAGTCTCCGGCGCTGAGTGATGCCAACAAGGCCTCGGCCAG[G>A]GCCTCACGCGAAGGCGGCCGTGCCGCCGCTGCCCCCGGGGCCTCTCCTTCCCCAGGCGGG-3'
Protein context (NP_000170.1, residues 16-36): ALSDANKASA[Arg26=]ASREGGRAAA